The following is an entry in ClinVar:

ClinVar aggregate classification (germline): Pathogenic. Review status: criteria provided, multiple submitters, no conflicts (2 of 4 stars). 2 submissions from 2 submitters: Pathogenic (2). Last evaluated 2023-12-17.

Conditions:
Osteogenesis imperfecta type I (OI1). Also called: Classic Non-deforming Osteogenesis Imperfecta with Blue Sclerae; Lobstein's Disease; Osteogenesis imperfecta type 1; OI, TYPE I; OSTEOGENESIS IMPERFECTA TARDA; OSTEOGENESIS IMPERFECTA WITH BLUE SCLERAE. Identifiers: Orphanet 216796, Orphanet 666, MedGen C0023931, MONDO:0008146, OMIM 166200. Disease mechanism: loss of function.

Submissions (2):

Labcorp Genetics (formerly Invitae), Labcorp
Classification: Pathogenic for Osteogenesis imperfecta type I. Last evaluated: 2023-12-17. Review status: criteria provided, single submitter. Criteria: Invitae Variant Classification Sherloc (09022015). Collection method: clinical testing. Allele origin: germline.
Comment: This sequence change affects the initiator methionine of the COL1A1 mRNA. The next in-frame methionine is located at codon 181. This variant is not present in population databases (gnomAD no frequency). Disruption of the initiator codon has been observed in individuals with osteogenesis imperfecta type 1 (PMID: 23529829, 25696019, 27509835; Invitae). ClinVar contains an entry for this variant (Variation ID: 567004). For these reasons, this variant has been classified as Pathogenic.

GeneDx
Classification: Pathogenic. Last evaluated: 2022-01-24. Review status: criteria provided, single submitter. Criteria: GeneDx Variant Classification Process June 2021. Collection method: clinical testing. Allele origin: germline. Affected: yes.
Comment: Not observed in large population cohorts (gnomAD); Has not been previously published as pathogenic or benign to our knowledge; Initiation codon variant in a gene for which loss-of-function is a known mechanism of disease

Literature cited by the submitters: PubMed 23529829 (cited by Labcorp Genetics (formerly Invitae), Labcorp); PubMed 25696019 (cited by Labcorp Genetics (formerly Invitae), Labcorp); PubMed 27509835 (cited by Labcorp Genetics (formerly Invitae), Labcorp).

NM_000088.4(COL1A1):c.3G>A (p.Met1Ile)

Gene: COL1A1 (collagen type I alpha 1 chain; minus strand). Cytogenetic location: 17q21.33.
Variant type: single nucleotide variant.
Coding change: c.3G>A on transcript NM_000088.4 (MANE Select); coding-DNA position 3, G replaced by A.
Protein change: p.Met1Ile; changes the start codon (methionine 1).
Molecular consequence: missense variant, initiator codon variant.
Genome position (GRCh38, 1-based): chr17:50,201,511, C>T on the plus strand (G>A on the coding strand, the complement: COL1A1 is on the minus strand). VCF-style: chr17-50201511-C-T. GRCh37 (hg19) VCF-style: chr17-48278872-C-T.
Other names: short protein forms M1I.
Identifiers: ClinVar variation 567004 (VCV000567004.12), dbSNP rs1567766329, ClinGen allele CA400230605.
Genomic context (GRCh38, chr17:50,201,511, plus strand): 5'-GTGCGTCAGGAGGGCGGTGGCCGCTAAGAGGAGCAGGAGCCGGAGGTCCACAAAGCTGAA[C>T]ATGTCTAGACCCTAGACATGTAGACTCTTTGTGGCTGGGGAGGGGGTTAGCGTCCGCTCA-3'
Protein context (NP_000079.2, residues 1-11): [Met1Ile]FSFVDLRLLL